The following is an entry in ClinVar:

ClinVar aggregate classification (germline): Uncertain significance (1 of 4 stars; one submission).

Conditions:
Developmental and epileptic encephalopathy, 2 (DEE2). Also called: INFANTILE SPASM SYNDROME, X-LINKED 2; CDKL5 deficiency disorder. Identifiers: Orphanet 1934, Orphanet 3451, Orphanet 505652, MedGen C4750718, MONDO:0010396, OMIM 300672.
Angelman syndrome-like. Identifiers: MedGen CN128785.

Submission:

Labcorp Genetics (formerly Invitae), Labcorp
Classification: Uncertain significance for Developmental and epileptic encephalopathy, 2; Angelman syndrome-like. Last evaluated: 2024-02-16. Review status: criteria provided, single submitter. Criteria: Invitae Variant Classification Sherloc (09022015). Collection method: clinical testing. Allele origin: germline.
Comment: This sequence change replaces proline, which is neutral and non-polar, with serine, which is neutral and polar, at codon 518 of the CDKL5 protein (p.Pro518Ser). This variant is not present in population databases (gnomAD no frequency). This variant has not been reported in the literature in individuals affected with CDKL5-related conditions. Advanced modeling of protein sequence and biophysical properties (such as structural, functional, and spatial information, amino acid conservation, physicochemical variation, residue mobility, and thermodynamic stability) has been performed at Invitae for this missense variant, however the output from this modeling did not meet the statistical confidence thresholds required to predict the impact of this variant on CDKL5 protein function. In summary, the available evidence is currently insufficient to determine the role of this variant in disease. Therefore, it has been classified as a Variant of Uncertain Significance.

NM_001323289.2(CDKL5):c.1552C>T (p.Pro518Ser)

Gene: CDKL5 (cyclin dependent kinase like 5; plus strand). Cytogenetic location: Xp22.13.
Variant type: single nucleotide variant.
Coding change: c.1552C>T on transcript NM_001323289.2 (MANE Select); coding-DNA position 1552, C replaced by T.
Protein change: p.Pro518Ser; replaces proline 518 with serine.
Molecular consequence: missense variant.
Genome position (GRCh38, 1-based): chrX:18,604,476, C>T. VCF-style: chrX-18604476-C-T. GRCh37 (hg19) VCF-style: chrX-18622596-C-T.
Other names: c.1552C>T, p.Pro518Ser (NM_001037343.2, NM_003159.3); short protein forms P518S.
Identifiers: ClinVar variation 2942696 (VCV002942696.3), dbSNP rs2518874768, ClinGen allele CA412361565.